The following is an entry in ClinVar:

ClinVar aggregate classification (germline): Uncertain significance (1 of 4 stars; one submission).

Conditions:
Inborn genetic diseases. Identifiers: MedGen C0950123, MeSH D030342.

gnomAD v4.1: 1 of 1,613,822 alleles (0.000062%); highest among the groups gnomAD compares: Non-Finnish European, 0.000085%; no homozygotes.

Submission:

Ambry Genetics
Classification: Uncertain significance for Inborn genetic diseases. Last evaluated: 2025-08-28. Review status: criteria provided, single submitter. Criteria: Ambry Variant Classification Scheme 2023. Collection method: clinical testing. Allele origin: germline.
Comment: The p.F1371L variant (also known as c.4111T>C), located in coding exon 1 of the SAMD9 gene, results from a T to C substitution at nucleotide position 4111. The phenylalanine at codon 1371 is replaced by leucine, an amino acid with highly similar properties. This amino acid position is conserved. In addition, this alteration is predicted to be tolerated by in silico analysis. Based on the available evidence, the clinical significance of this variant remains unclear.

NM_017654.4(SAMD9):c.4111T>C (p.Phe1371Leu)

Gene: SAMD9 (sterile alpha motif domain containing 9; minus strand). Cytogenetic location: 7q21.2.
Variant type: single nucleotide variant.
Coding change: c.4111T>C on transcript NM_017654.4 (MANE Select); coding-DNA position 4111, T replaced by C.
Protein change: p.Phe1371Leu; replaces phenylalanine 1371 with leucine.
Molecular consequence: missense variant.
Genome position (GRCh38, 1-based): chr7:93,101,987, A>G on the plus strand (T>C on the coding strand, the complement: SAMD9 is on the minus strand). VCF-style: chr7-93101987-A-G. GRCh37 (hg19) VCF-style: chr7-92731300-A-G.
Other names: c.4111T>C, p.Phe1371Leu (NM_001193307.2); short protein forms F1371L.
Identifiers: ClinVar variation 4159190 (VCV004159190.1).